The following is an entry in ClinVar:

NM_000814.6(GABRB3):c.73G>T (p.Ala25Ser)

Gene: GABRB3 (gamma-aminobutyric acid type A receptor subunit beta3; minus strand). Cytogenetic location: 15q12.
Variant type: single nucleotide variant.
Coding change: c.73G>T on transcript NM_000814.6 (MANE Select); coding-DNA position 73, G replaced by T.
Protein change: p.Ala25Ser; replaces alanine 25 with serine.
Molecular consequence: missense variant. On other transcripts: 5 prime UTR variant (1), intron variant (1).
Genome position (GRCh38, 1-based): chr15:26,772,890, C>A on the plus strand (G>T on the coding strand, the complement: GABRB3 is on the minus strand). VCF-style: chr15-26772890-C-A. GRCh37 (hg19) VCF-style: chr15-27018037-C-A.
Other names: c.-279G>T (NM_001278631.2); c.81-118G>T (NM_021912.5); short protein forms A25S.
Identifiers: ClinVar variation 939920 (VCV000939920.10), dbSNP rs1448726231, ClinGen allele CA391465562.

ClinVar aggregate classification (germline): Uncertain significance. Review status: criteria provided, multiple submitters, no conflicts (2 of 4 stars). 2 submissions from 2 submitters: Uncertain significance (2). Last evaluated 2022-12-06.

Conditions:
Epilepsy, childhood absence, susceptibility to, 1. Also called: Epilepsy, childhood absence 1. Identifiers: Orphanet 64280, MedGen C1838604, MONDO:0020759, OMIM 600131.
Epilepsy, childhood absence, susceptibility to, 5. Identifiers: Orphanet 64280, MedGen C2677087, MONDO:0012843, OMIM 612269.

Allele frequency attached by ClinVar (database versions not stated): gnomAD exomes below 0.00001; gnomAD 0.00001; TOPMed 0.00001.
gnomAD v4.1: 4 of 1,489,918 alleles (0.00027%); highest among the groups gnomAD compares: Middle Eastern, 0.022%; no homozygotes.

Submissions (2):

GeneDx
Classification: Uncertain significance. Last evaluated: 2022-12-06. Review status: criteria provided, single submitter. Criteria: GeneDx Variant Classification Process June 2021. Collection method: clinical testing. Allele origin: germline. Affected: yes.
Comment: In silico analysis supports that this missense variant does not alter protein structure/function; Has not been previously published as pathogenic or benign to our knowledge

Labcorp Genetics (formerly Invitae), Labcorp
Classification: Uncertain significance for Epilepsy, childhood absence, susceptibility to, 5; Epilepsy, childhood absence, susceptibility to, 1. Last evaluated: 2020-04-22. Review status: criteria provided, single submitter. Criteria: Invitae Variant Classification Sherloc (09022015). Collection method: clinical testing. Allele origin: germline.
Comment: This variant is not present in population databases (ExAC no frequency). In summary, the available evidence is currently insufficient to determine the role of this variant in disease. Therefore, it has been classified as a Variant of Uncertain Significance. Algorithms developed to predict the effect of missense changes on protein structure and function (SIFT, PolyPhen-2, Align-GVGD) all suggest that this variant is likely to be tolerated, but these predictions have not been confirmed by published functional studies and their clinical significance is uncertain. This variant has not been reported in the literature in individuals with GABRB3-related conditions. This sequence change replaces alanine with serine at codon 25 of the GABRB3 protein (p.Ala25Ser). The alanine residue is weakly conserved and there is a moderate physicochemical difference between alanine and serine.